The following is an entry in ClinVar:

ClinVar aggregate classification (germline): Uncertain significance (1 of 4 stars; one submission).

Conditions:
Hereditary breast ovarian cancer syndrome. Also called: Hereditary breast and ovarian cancer syndrome; Hereditary breast and ovarian cancer syndrome (HBOC); BRCA1- and BRCA2-Associated Hereditary Breast and Ovarian Cancer; Hereditary breast and ovarian cancer; Hereditary breast and/or ovarian cancer syndrome; Breast and ovarian cancer. Identifiers: Orphanet 145, MedGen C0677776, MeSH D061325, MONDO:0003582. Disease mechanism: loss of function.

Submission:

Labcorp Genetics (formerly Invitae), Labcorp
Classification: Uncertain significance for Hereditary breast ovarian cancer syndrome. Last evaluated: 2022-01-07. Review status: criteria provided, single submitter. Criteria: Invitae Variant Classification Sherloc (09022015). Collection method: clinical testing. Allele origin: germline.
Comment: In summary, the available evidence is currently insufficient to determine the role of this variant in disease. Therefore, it has been classified as a Variant of Uncertain Significance. Algorithms developed to predict the effect of sequence changes on RNA splicing suggest that this variant may disrupt the consensus splice site. ClinVar contains an entry for this variant (Variation ID: 1040094). This variant has not been reported in the literature in individuals affected with BRCA2-related conditions. This variant is not present in population databases (gnomAD no frequency). This sequence change falls in intron 22 of the BRCA2 gene. It does not directly change the encoded amino acid sequence of the BRCA2 protein.

NM_000059.4(BRCA2):c.8954-8C>A

Gene: BRCA2 (BRCA2 DNA repair associated; plus strand). Cytogenetic location: 13q13.1.
Variant type: single nucleotide variant.
Coding change: c.8954-8C>A on transcript NM_000059.4 (MANE Select); 8 bases into the intron before coding-DNA position 8954, C replaced by A.
Molecular consequence: intron variant.
Genome position (GRCh38, 1-based): chr13:32,379,742, C>A. VCF-style: chr13-32379742-C-A. GRCh37 (hg19) VCF-style: chr13-32953879-C-A.
Identifiers: ClinVar variation 1040094 (VCV001040094.9), dbSNP rs2072906821, ClinGen allele CA2082837325.